The following is an entry in ClinVar:

ClinVar aggregate classification (germline): Likely benign. Review status: criteria provided, multiple submitters, no conflicts (2 of 4 stars). 2 submissions from 2 submitters: Likely benign (2). Last evaluated 2025-11-22.

Conditions:
Nephronophthisis. Also called: Juvenile Nephronophthisis. Identifiers: Orphanet 655, MedGen C0687120, MONDO:0019005, HP:0000090.

Allele frequency attached by ClinVar (database versions not stated): gnomAD exomes 0.00001; ExAC 0.00003.
gnomAD v4.1: 3 of 1,613,398 alleles (0.00019%); highest among the groups gnomAD compares: Non-Finnish European, 0.00025%; no homozygotes.

Submissions (2):

Labcorp Genetics (formerly Invitae), Labcorp
Classification: Likely benign for Nephronophthisis. Last evaluated: 2025-11-22. Review status: criteria provided, single submitter. Criteria: Invitae Variant Classification Sherloc (09022015). Collection method: clinical testing. Allele origin: germline.

CeGaT Center for Human Genetics Tuebingen
Classification: Likely benign. Last evaluated: 2022-04-01. Review status: criteria provided, single submitter. Criteria: CeGaT Center For Human Genetics Tuebingen Variant Classification Criteria Version 2. Collection method: clinical testing. Allele origin: germline. Affected: yes. Observed: 1 variant allele.
Comment: NPHP4: BP4, BP7

NM_015102.5(NPHP4):c.2487T>C (p.Gly829=)

Gene: NPHP4 (nephrocystin 4; minus strand). Cytogenetic location: 1p36.31.
Variant type: single nucleotide variant.
Coding change: c.2487T>C on transcript NM_015102.5 (MANE Select); coding-DNA position 2487, T replaced by C.
Protein change: p.Gly829=; no amino-acid change (glycine 829 retained).
Molecular consequence: synonymous variant. On other transcripts: non-coding transcript variant (1).
Genome position (GRCh38, 1-based): chr1:5,880,238, A>G on the plus strand (T>C on the coding strand, the complement: NPHP4 is on the minus strand). VCF-style: chr1-5880238-A-G. GRCh37 (hg19) VCF-style: chr1-5940298-A-G.
Other names: c.948T>C, p.Gly316= (NM_001291593.2); c.951T>C, p.Gly317= (NM_001291594.2).
Identifiers: ClinVar variation 1590930 (VCV001590930.31), dbSNP rs759022050, ClinGen allele CA554081.